The following is an entry in ClinVar:

NM_001165963.4(SCN1A):c.4002+2370T>C

Genes: SCN1A (sodium voltage-gated channel alpha subunit 1; minus strand), LOC102724058 (uncharacterized LOC102724058; plus strand). Cytogenetic location: 2q24.3.
Variant type: single nucleotide variant.
Coding change: c.4002+2370T>C on transcript NM_001165963.4 (MANE Select); 2370 bases into the intron after coding-DNA position 4002, T replaced by C.
Molecular consequence: intron variant.
Genome position (GRCh38, 1-based): chr2:166,007,349, A>G on the plus strand (T>C on the coding strand, the complement: SCN1A is on the minus strand). VCF-style: chr2-166007349-A-G. GRCh37 (hg19) VCF-style: chr2-166863859-A-G.
Other names: c.3969+2370T>C (NM_001353949.2, NM_001353950.2, NM_001353951.2 and 2 more transcripts); c.3918+2370T>C (NM_001353958.2, NM_001353957.2, NM_001165964.3); c.4002+2370T>C (NM_001202435.3, NM_001353948.2); c.3966+2370T>C (NM_001353955.2, NM_001353954.2); c.3915+2370T>C (NM_001353960.2); c.1560+2370T>C (NM_001353961.2).
Identifiers: ClinVar variation 1533658 (VCV001533658.9), dbSNP rs1188572792, ClinGen allele CA537134250.

ClinVar aggregate classification (germline): Uncertain significance (1 of 4 stars; one submission).

Conditions:
Early-infantile DEE. Also called: Ohtahara syndrome; Early infantile epileptic encephalopathy with suppression bursts; Early infantile epileptic encephalopathy. Identifiers: Orphanet 1934, MedGen C0393706, MONDO:0800491.

Allele frequency attached by ClinVar (database versions not stated): gnomAD 0.00002; TOPMed 0.00002.
gnomAD v4.1: 3 of 151,302 alleles (0.002%); highest among the groups gnomAD compares: African/African-American, 0.0073%; no homozygotes.

Submission:

Labcorp Genetics (formerly Invitae), Labcorp
Classification: Uncertain significance for Early-infantile DEE. Last evaluated: 2025-07-14. Review status: criteria provided, single submitter. Criteria: Invitae Variant Classification Sherloc (09022015). Collection method: clinical testing. Allele origin: germline.
Comment: This sequence change falls in intron 20 of the SCN1A gene. It does not directly change the encoded amino acid sequence of the SCN1A protein. However, this sequence change falls within a region encompassing a cryptic exon in the SCN1A gene, in which variants have been shown to alter splicing (PMID: 30526861, 34107977). This variant is present in population databases (no rsID available, gnomAD 0.02%). This variant has not been reported in the literature in individuals affected with SCN1A-related conditions. ClinVar contains an entry for this variant (Variation ID: 1533658). Algorithms developed to predict the effect of sequence changes on RNA splicing suggest that this variant is not likely to affect RNA splicing. In summary, the available evidence is currently insufficient to determine the role of this variant in disease. Therefore, it has been classified as a Variant of Uncertain Significance.

Literature cited by the submitters: PubMed 30526861; PubMed 34107977.